The following is an entry in ClinVar:

ClinVar aggregate classification (germline): Pathogenic (1 of 4 stars; one submission).

Conditions:
Gorlin syndrome. Also called: Basal cell nevus syndrome; Nevoid Basal Cell Carcinoma Syndrome. Identifiers: Orphanet 377, MedGen C0004779, MONDO:0007187.

Submission:

Labcorp Genetics (formerly Invitae), Labcorp
Classification: Pathogenic for Gorlin syndrome. Last evaluated: 2020-08-06. Review status: criteria provided, single submitter. Criteria: Invitae Variant Classification Sherloc (09022015). Collection method: clinical testing. Allele origin: germline.
Comment: For these reasons, this variant has been classified as Pathogenic. Loss-of-function variants in PTCH1 are known to be pathogenic (PMID: 16301862, 16419085). This variant has not been reported in the literature in individuals with PTCH1-related conditions. This variant is not present in population databases (ExAC no frequency). This sequence change creates a premature translational stop signal (p.Val474Cysfs*19) in the PTCH1 gene. It is expected to result in an absent or disrupted protein product.

Literature cited by the submitters: PubMed 16301862; PubMed 16419085.

NM_000264.5(PTCH1):c.1419_1429del (p.Val474fs)

Gene: PTCH1 (patched 1; minus strand). Cytogenetic location: 9q22.32.
Variant type: Deletion.
Coding change: c.1419_1429del on transcript NM_000264.5 (MANE Select); coding-DNA positions 1419 to 1429, 11 bases deleted (CGTCCTGCTGG).
Protein change: p.Val474fs; shifts the reading frame from valine 474.
Molecular consequence: frameshift variant. On other transcripts: non-coding transcript variant (1), intron variant (1).
Genome position (GRCh38, 1-based): chr9:95,477,621-95,477,631, CCAGCAGGACG deleted on the plus strand (CGTCCTGCTGG on the coding strand, the reverse complement: PTCH1 is on the minus strand); deleting any 11 consecutive bases within chr9:95,477,621-95,477,636 gives the same sequence; the c. name uses the placement nearest the transcript's 3' end. VCF-style (leftmost placement, unchanged base first): chr9-95477620-ACCAGCAGGACG-A. GRCh37 (hg19) VCF-style: chr9-98239902-ACCAGCAGGACG-A.
Other names: c.1221_1231del, p.Val408fs (NM_001083602.3); c.1416_1426del, p.Val473fs (NM_001083603.3); c.966_976del, p.Val323fs (NM_001083604.3, NM_001083605.3, NM_001083606.3 and 1 more transcripts); c.1347+424_1347+434del (NM_001354918.2); short protein forms V323fs, V408fs, V473fs, V474fs.
Identifiers: ClinVar variation 1073556 (VCV001073556.7), dbSNP rs2118306407, ClinGen allele CA2499220068.
Genomic context (GRCh38, chr9:95,477,620, plus strand): 5'-GCGTTAAAGGAAATTCCGATCAATGAGCACAGGCCCAGTCCTGCAGCCACTGACAGTGCA[ACCAGCAGGACG>A]CCAGCCAGCCCCACGGCACCCTGGGACTTGGAGCAGTCCCAGCGCAGCATGGTTAGACAG-3'